The following is an entry in ClinVar:

NM_183235.3(RAB27A):c.*1392A>C

Gene: RAB27A (RAB27A, member RAS oncogene family; minus strand). Cytogenetic location: 15q21.3.
Variant type: single nucleotide variant.
Coding change: c.*1392A>C on transcript NM_183235.3 (MANE Select); 1392 bases downstream of the stop codon, A replaced by C.
Molecular consequence: 3 prime UTR variant.
Genome position (GRCh38, 1-based): chr15:55,204,115, T>G on the plus strand (A>C on the coding strand, the complement: RAB27A is on the minus strand). VCF-style: chr15-55204115-T-G. GRCh37 (hg19) VCF-style: chr15-55496313-T-G.
Other names: c.*1392A>C (NM_004580.5, NM_183234.3, NM_183236.3).
Identifiers: ClinVar variation 316629 (VCV000316629.6), dbSNP rs12907749, ClinGen allele CA10642260.

ClinVar aggregate classification (germline): Benign. Review status: criteria provided, multiple submitters, no conflicts (2 of 4 stars). 2 submissions from 2 submitters: Benign (2). Last evaluated 2018-01-13.

Conditions:
Griscelli syndrome type 2 (GS2). Also called: GRISCELLI SYNDROME WITH HEMOPHAGOCYTIC SYNDROME; PAID SYNDROME; PARTIAL ALBINISM AND IMMUNODEFICIENCY SYNDROME. Identifiers: Orphanet 381, Orphanet 79477, MedGen C1868679, MONDO:0011872, OMIM 607624.

Allele frequency attached by ClinVar (database versions not stated): 1000 Genomes Project 30x 0.07573; 1000 Genomes Project 0.07788; TOPMed 0.09914; gnomAD 0.11078 and 0.11269.

Submissions (2):

Illumina Laboratory Services, Illumina
Classification: Benign for Griscelli syndrome type 2. Last evaluated: 2018-01-13. Review status: criteria provided, single submitter. Criteria: ICSL Variant Classification Criteria 13 December 2019. Collection method: clinical testing. Allele origin: germline.
Comment: This variant was observed in the ICSL laboratory as part of a predisposition screen in an ostensibly healthy population. It had not been previously curated by ICSL or reported in the Human Gene Mutation Database (HGMD: prior to June 1st, 2018), and was therefore a candidate for classification through an automated scoring system. Utilizing variant allele frequency, disease prevalence and penetrance estimates, and inheritance mode, an automated score was calculated to assess if this variant is too frequent to cause the disease. Based on the score and internal cut-off values, a variant classified as benign is not then subjected to further curation. The score for this variant resulted in a classification of benign for this disease.

Breakthrough Genomics
Classification: Benign. Review status: criteria provided, single submitter. Criteria: ACMG Guidelines, 2015. Collection method: not provided. Allele origin: germline. Inheritance: Autosomal recessive inheritance. Affected: yes.